The following is an entry in ClinVar:

ClinVar aggregate classification (germline): Likely pathogenic (1 of 4 stars; one submission).

Submission:

Labcorp Genetics (formerly Invitae), Labcorp
Classification: Likely pathogenic. Last evaluated: 2021-08-14. Review status: criteria provided, single submitter. Criteria: Invitae Variant Classification Sherloc (09022015). Collection method: clinical testing. Allele origin: germline.
Comment: This sequence change affects an acceptor splice site in intron 20 of the COL4A4 gene. It is expected to disrupt RNA splicing. Variants that disrupt the donor or acceptor splice site typically lead to a loss of protein function (PMID: 16199547), and loss-of-function variants in COL4A4 are known to be pathogenic (PMID: 21196518, 24854265, 25307543). This variant is not present in population databases (ExAC no frequency). This variant has not been reported in the literature in individuals affected with COL4A4-related conditions. Algorithms developed to predict the effect of sequence changes on RNA splicing suggest that this variant may disrupt the consensus splice site. In summary, the currently available evidence indicates that the variant is pathogenic, but additional data are needed to prove that conclusively. Therefore, this variant has been classified as Likely Pathogenic.

Literature cited by the submitters: PubMed 16199547; PubMed 21196518; PubMed 24854265; PubMed 25307543.

NM_000092.5(COL4A4):c.1370-2A>G

Gene: COL4A4 (collagen type IV alpha 4 chain; minus strand). Cytogenetic location: 2q36.3.
Variant type: single nucleotide variant.
Coding change: c.1370-2A>G on transcript NM_000092.5 (MANE Select); the canonical splice acceptor site of the intron before coding-DNA position 1370, A replaced by G.
Molecular consequence: splice acceptor variant.
Genome position (GRCh38, 1-based): chr2:227,089,959, T>C on the plus strand (A>G on the coding strand, the complement: COL4A4 is on the minus strand). VCF-style: chr2-227089959-T-C. GRCh37 (hg19) VCF-style: chr2-227954675-T-C.
Identifiers: ClinVar variation 1488202 (VCV001488202.6), dbSNP rs2059823776, ClinGen allele CA350850865.